The following is an entry in ClinVar:

ClinVar aggregate classification (germline): Uncertain significance (1 of 4 stars; one submission).

Conditions:
Hereditary cancer-predisposing syndrome. Also called: Hereditary Cancer Syndrome; Hereditary neoplastic syndrome; Neoplastic Syndromes, Hereditary; Tumor predisposition. Identifiers: Orphanet 140162, MedGen C0027672, MeSH D009386, MONDO:0015356.

Submission:

Sema4
Classification: Uncertain significance for Hereditary cancer-predisposing syndrome. Last evaluated: 2021-05-18. Review status: criteria provided, single submitter. Criteria: Sema4 Curation Guidelines. Collection method: curation. Allele origin: germline.
Comment: The POLD1 c.323delC (p.A108GfsX61) variant has not been reported in the literature to our knowledge. This variant has not been observed in the large and broad cohorts in the Genome Aggregation Database (PMID: 32461654). This variant has not been reported in ClinVar. In silico tools suggest the impact of the variant on protein function is deleterious, though these predictions have not been confirmed by functional studies. Additionally, POLD1 disease mechanism is a gain of function only. The overall evidence is insufficient to meet ACMG/AMP criteria for classifying it as benign or pathogenic. In summary, the clinical significance of this variant is currently uncertain.

NM_002691.4(POLD1):c.323del (p.Ala108fs)

Gene: POLD1 (DNA polymerase delta 1, catalytic subunit; plus strand). Cytogenetic location: 19q13.33.
Variant type: Deletion.
Coding change: c.323del on transcript NM_002691.4 (MANE Select); coding-DNA position 323, one base deleted (C; older notation c.323delC).
Protein change: p.Ala108fs; shifts the reading frame from alanine 108.
Molecular consequence: frameshift variant. On other transcripts: non-coding transcript variant (1).
Genome position (GRCh38, 1-based): chr19:50,401,784, C deleted. VCF-style (leftmost placement, unchanged base first): chr19-50401783-GC-G. GRCh37 (hg19) VCF-style: chr19-50905040-GC-G.
Other names: c.323del, p.Ala108fs (NM_001256849.1, NM_001308632.1); short protein forms A108fs.
Identifiers: ClinVar variation 1692707 (VCV001692707.1), dbSNP rs2122231922, ClinGen allele CA2573156540.